The following is an entry in ClinVar:

NM_001009944.3(PKD1):c.6899G>A (p.Cys2300Tyr)

Gene: PKD1 (polycystin 1, transient receptor potential channel interacting; minus strand). Cytogenetic location: 16p13.3.
Variant type: single nucleotide variant.
Coding change: c.6899G>A on transcript NM_001009944.3 (MANE Select); coding-DNA position 6899, G replaced by A.
Protein change: p.Cys2300Tyr; replaces cysteine 2300 with tyrosine.
Molecular consequence: missense variant.
Genome position (GRCh38, 1-based): chr16:2,108,268, C>T on the plus strand (G>A on the coding strand, the complement: PKD1 is on the minus strand). VCF-style: chr16-2108268-C-T. GRCh37 (hg19) VCF-style: chr16-2158269-C-T.
Other names: c.6899G>A, p.Cys2300Tyr (NM_000296.4); short protein forms C2300Y.
Identifiers: ClinVar variation 5005531 (VCV005005531.2).

ClinVar aggregate classification (germline): Uncertain significance (1 of 4 stars; one submission).

Conditions:
Polycystic kidney disease, adult type (PKD1). Also called: POLYCYSTIC KIDNEY DISEASE, ADULT, TYPE I; Polycystic Kidney, Autosomal Dominant; Polycystic Kidney Disease 1, Autosomal Dominant; Polycystic kidney disease 1; Polycystic kidney disease 1, severe; POLYCYSTIC KIDNEY DISEASE 1 WITH OR WITHOUT POLYCYSTIC LIVER DISEASE. Identifiers: MedGen C3149841, MONDO:0008263, OMIM 173900.

gnomAD v4.1: 21 of 1,600,710 alleles (0.0013%); highest among the groups gnomAD compares: East Asian, 0.031%; no homozygotes.

Submission:

Juno Genomics, Hangzhou Juno Genomics, Inc
Classification: Uncertain significance for Polycystic kidney disease, adult type. Review status: criteria provided, single submitter. Criteria: ACMG Guidelines, 2015. Collection method: clinical testing. Allele origin: germline.
Comment: Absent from controls (or at extremely low frequency if recessive) in Genome Aggregation Database.;Multiple lines of computational evidence support a deleterious effect on the gene or gene product.